The following is an entry in ClinVar:

ClinVar aggregate classification (germline): Uncertain significance (1 of 4 stars; one submission).

Conditions:
Peroxisome biogenesis disorder 5A (Zellweger) (PBD5A). Identifiers: Orphanet 912, MedGen C3553940, MONDO:0013932, OMIM 614866.

gnomAD v4.1: 2 of 1,613,582 alleles (0.00012%); highest among the groups gnomAD compares: Non-Finnish European, 0.00017%; no homozygotes.

Submission:

Labcorp Genetics (formerly Invitae), Labcorp
Classification: Uncertain significance for Peroxisome biogenesis disorder 5A (Zellweger). Last evaluated: 2023-06-04. Review status: criteria provided, single submitter. Criteria: Invitae Variant Classification Sherloc (09022015). Collection method: clinical testing. Allele origin: germline.
Comment: In summary, the available evidence is currently insufficient to determine the role of this variant in disease. Therefore, it has been classified as a Variant of Uncertain Significance. An algorithm developed to predict the effect of missense changes on protein structure and function (PolyPhen-2) suggests that this variant is likely to be tolerated. This sequence change replaces isoleucine, which is neutral and non-polar, with methionine, which is neutral and non-polar, at codon 297 of the PEX2 protein (p.Ile297Met). This variant is not present in population databases (gnomAD no frequency). This variant has not been reported in the literature in individuals affected with PEX2-related conditions.

NM_000318.3(PEX2):c.891C>G (p.Ile297Met)

Gene: PEX2 (peroxisomal biogenesis factor 2; minus strand). Cytogenetic location: 8q21.13.
Variant type: single nucleotide variant.
Coding change: c.891C>G on transcript NM_000318.3 (MANE Select); coding-DNA position 891, C replaced by G.
Protein change: p.Ile297Met; replaces isoleucine 297 with methionine.
Molecular consequence: missense variant.
Genome position (GRCh38, 1-based): chr8:76,983,288, G>C on the plus strand (C>G on the coding strand, the complement: PEX2 is on the minus strand). VCF-style: chr8-76983288-G-C. GRCh37 (hg19) VCF-style: chr8-77895524-G-C.
Other names: c.891C>G, p.Ile297Met (NM_001079867.2, NM_001172086.2, NM_001172087.2); short protein forms I297M.
Identifiers: ClinVar variation 2767292 (VCV002767292.3), dbSNP rs995695713, ClinGen allele CA371556341.